The following is an entry in ClinVar:

ClinVar aggregate classification (germline): Uncertain significance. Review status: criteria provided, multiple submitters, no conflicts (2 of 4 stars). 2 submissions from 2 submitters: Uncertain significance (2). Last evaluated 2023-04-09.

Conditions:
SOS1-related disorder. Also called: SOS1-related condition.

Allele frequency attached by ClinVar (database versions not stated): gnomAD exomes below 0.00001; gnomAD 0.00001.
gnomAD v4.1: 6 of 1,613,318 alleles (0.00037%); highest among the groups gnomAD compares: East Asian, 0.0022%; no homozygotes.

Submissions (2):

PreventionGenetics, part of Exact Sciences
Classification: Uncertain significance for SOS1-related condition. Last evaluated: 2023-04-09. Review status: criteria provided, single submitter. Criteria: ACMG Guidelines, 2015. Collection method: clinical testing. Allele origin: germline.
Comment: The SOS1 c.1802T>C variant is predicted to result in the amino acid substitution p.Ile601Thr. To our knowledge, this variant has not been reported in the literature or in a large population database, indicating this variant is rare. At this time, the clinical significance of this variant is uncertain due to the absence of conclusive functional and genetic evidence.

GeneDx
Classification: Uncertain significance. Last evaluated: 2017-10-31. Review status: criteria provided, single submitter. Criteria: GeneDx Variant Classification (06012015). Collection method: clinical testing. Allele origin: germline. Affected: yes.
Comment: The I601T variant in the SOS1 gene has not been reported previously as a pathogenic variant, nor as a benign variant, to our knowledge. The I601T variant is not observed in large population cohorts (Lek et al., 2016). The I601T variant is a non-conservative amino acid substitution, which is likely to impact secondary protein structure as these residues differ in polarity, charge, size and/or other properties. In-silico analyses, including protein predictors and evolutionary conservation, support a deleterious effect. We interpret I601T as a variant of uncertain significance

NM_005633.4(SOS1):c.1802T>C (p.Ile601Thr)

Gene: SOS1 (SOS Ras/Rac guanine nucleotide exchange factor 1; minus strand). Cytogenetic location: 2p22.1.
Variant type: single nucleotide variant.
Coding change: c.1802T>C on transcript NM_005633.4 (MANE Select); coding-DNA position 1802, T replaced by C.
Protein change: p.Ile601Thr; replaces isoleucine 601 with threonine.
Molecular consequence: missense variant.
Genome position (GRCh38, 1-based): chr2:39,022,626, A>G on the plus strand (T>C on the coding strand, the complement: SOS1 is on the minus strand). VCF-style: chr2-39022626-A-G. GRCh37 (hg19) VCF-style: chr2-39249767-A-G.
Other names: c.1781T>C, p.Ile594Thr (NM_001382394.1); c.1802T>C, p.Ile601Thr (NM_001382395.1); short protein forms I601T, I594T.
Identifiers: ClinVar variation 561691 (VCV000561691.2), dbSNP rs1558474155, ClinGen allele CA346365354.